The following is an entry in ClinVar:

NM_004525.3(LRP2):c.4733G>T (p.Arg1578Leu)

Gene: LRP2 (LDL receptor related protein 2; minus strand). Cytogenetic location: 2q31.1.
Variant type: single nucleotide variant.
Coding change: c.4733G>T on transcript NM_004525.3 (MANE Select); coding-DNA position 4733, G replaced by T.
Protein change: p.Arg1578Leu; replaces arginine 1578 with leucine.
Molecular consequence: missense variant.
Genome position (GRCh38, 1-based): chr2:169,236,027, C>A on the plus strand (G>T on the coding strand, the complement: LRP2 is on the minus strand). VCF-style: chr2-169236027-C-A. GRCh37 (hg19) VCF-style: chr2-170092537-C-A.
Other names: short protein forms R1578L.
Identifiers: ClinVar variation 893593 (VCV000893593.6), dbSNP rs111733491, ClinGen allele CA349142701.

ClinVar aggregate classification (germline): Uncertain significance. Review status: criteria provided, multiple submitters, no conflicts (2 of 4 stars). 2 submissions from 2 submitters: Uncertain significance (2). Last evaluated 2024-05-15.

Conditions:
Donnai-Barrow syndrome. Also called: DBS/FOAR SYNDROME; FACIOOCULOACOUSTICORENAL SYNDROME. Identifiers: Orphanet 2143, MedGen C1857277, MONDO:0009104, OMIM 222448.

Allele frequency attached by ClinVar (database versions not stated): TOPMed below 0.00001.
gnomAD v4.1: 8 of 1,614,074 alleles (0.0005%); highest among the groups gnomAD compares: South Asian, 0.0033%; no homozygotes.

Submissions (2):

Labcorp Genetics (formerly Invitae), Labcorp
Classification: Uncertain significance. Last evaluated: 2024-05-15. Review status: criteria provided, single submitter. Criteria: Invitae Variant Classification Sherloc (09022015). Collection method: clinical testing. Allele origin: germline.
Comment: This sequence change replaces arginine, which is basic and polar, with leucine, which is neutral and non-polar, at codon 1578 of the LRP2 protein (p.Arg1578Leu). This variant is present in population databases (no rsID available, gnomAD 0.003%). This variant has not been reported in the literature in individuals affected with LRP2-related conditions. ClinVar contains an entry for this variant (Variation ID: 893593). Advanced modeling of protein sequence and biophysical properties (such as structural, functional, and spatial information, amino acid conservation, physicochemical variation, residue mobility, and thermodynamic stability) performed at Invitae indicates that this missense variant is not expected to disrupt LRP2 protein function with a negative predictive value of 80%. In summary, the available evidence is currently insufficient to determine the role of this variant in disease. Therefore, it has been classified as a Variant of Uncertain Significance.

Illumina Laboratory Services, Illumina
Classification: Uncertain significance for Donnai-Barrow syndrome. Last evaluated: 2018-01-12. Review status: criteria provided, single submitter. Criteria: ICSL Variant Classification Criteria 13 December 2019. Collection method: clinical testing. Allele origin: germline.